The following is an entry in ClinVar:

NM_001378120.1(MBD5):c.2581ACA[1] (p.Thr862del)

Gene: MBD5 (methyl-CpG binding domain protein 5; plus strand). Cytogenetic location: 2q23.1.
Variant type: Microsatellite.
Coding change: c.2581ACA[1] on transcript NM_001378120.1 (MANE Select); one copy of the 3-base unit ACA starting at c.2581; the reference has two copies in a row; one copy, 3 bases deleted.
Protein change: p.Thr862del; deletes threonine 862.
Molecular consequence: inframe deletion.
Genome position (GRCh38, 1-based): chr2:148,483,175-148,483,177, ACA deleted; deleting any 3 consecutive bases within chr2:148,483,172-148,483,177 gives the same sequence; the position shown is the placement nearest the transcript's 3' end. VCF-style (leftmost placement, unchanged base first): chr2-148483171-GACA-G. GRCh37 (hg19) VCF-style: chr2-149240740-GACA-G.
Other names: c.2581ACA[1], p.Thr862del (NM_018328.5); short protein forms T862del.
Identifiers: ClinVar variation 2812878 (VCV002812878.3), dbSNP rs2469973123, ClinGen allele CA2739271423.
Genomic context (GRCh38, chr2:148,483,171, plus strand): 5'-CGGTTCAGGACCATCATCCTCCATAGCCATAGCGGGCACCAACCACCCTGCCATCACAAA[GACA>G]ACATCTGTTCTTCAAGATGGCGTCATAGTCACCACTGCAGCTGGAAACCCACTGCAGAGT-3'

ClinVar aggregate classification (germline): Uncertain significance (1 of 4 stars; one submission).

Conditions:
Intellectual developmental disorder, autosomal dominant 1. Also called: MBD5 Haploinsufficiency; Intellectual disability, autosomal dominant 1. Identifiers: Orphanet 228402, MedGen C1969562, MONDO:0007974, OMIM 156200.

Submission:

Labcorp Genetics (formerly Invitae), Labcorp
Classification: Uncertain significance for Intellectual developmental disorder, autosomal dominant 1. Last evaluated: 2023-03-26. Review status: criteria provided, single submitter. Criteria: Invitae Variant Classification Sherloc (09022015). Collection method: clinical testing. Allele origin: germline.
Comment: This variant, c.2584_2586del, results in the deletion of 1 amino acid(s) of the MBD5 protein (p.Thr862del), but otherwise preserves the integrity of the reading frame. This variant is not present in population databases (gnomAD no frequency). This variant has not been reported in the literature in individuals affected with MBD5-related conditions. Experimental studies and prediction algorithms are not available or were not evaluated, and the functional significance of this variant is currently unknown. In summary, the available evidence is currently insufficient to determine the role of this variant in disease. Therefore, it has been classified as a Variant of Uncertain Significance.